The following is an entry in ClinVar:

ClinVar aggregate classification (germline): Uncertain significance (1 of 4 stars; one submission).

Submission:

Ambry Genetics
Classification: Uncertain significance. Last evaluated: 2024-08-21. Review status: criteria provided, single submitter. Criteria: Ambry Variant Classification Scheme 2023. Collection method: clinical testing. Allele origin: germline.
Comment: The p.K416R variant (also known as c.1247A>G), located in coding exon 5 of the EGLN1 gene, results from an A to G substitution at nucleotide position 1247. The lysine at codon 416 is replaced by arginine, an amino acid with highly similar properties. This amino acid position is conserved. In addition, this alteration is predicted to be tolerated by in silico analysis. Based on the available evidence, the clinical significance of this variant remains unclear.

NM_022051.3(EGLN1):c.1247A>G (p.Lys416Arg)

Gene: EGLN1 (egl-9 family hypoxia inducible factor 1; minus strand). Cytogenetic location: 1q42.2.
Variant type: single nucleotide variant.
Coding change: c.1247A>G on transcript NM_022051.3 (MANE Select); coding-DNA position 1247, A replaced by G.
Protein change: p.Lys416Arg; replaces lysine 416 with arginine.
Molecular consequence: missense variant. On other transcripts: 3 prime UTR variant (2).
Genome position (GRCh38, 1-based): chr1:231,366,445, T>C on the plus strand (A>G on the coding strand, the complement: EGLN1 is on the minus strand). VCF-style: chr1-231366445-T-C. GRCh37 (hg19) VCF-style: chr1-231502191-T-C.
Other names: c.*27A>G (NM_001377260.1); c.*72A>G (NM_001377261.1); short protein forms K416R.
Identifiers: ClinVar variation 3507197 (VCV003507197.1).